The following is an entry in ClinVar:

ClinVar aggregate classification (germline): Uncertain significance. Review status: criteria provided, multiple submitters, no conflicts (2 of 4 stars). 2 submissions from 2 submitters: Uncertain significance (2). Last evaluated 2022-03-31.

Conditions:
Fanconi anemia complementation group I (FANCI). Also called: FANCI-Related Fanconi Anemia. Identifiers: Orphanet 84, MedGen C1836861, MONDO:0012186, OMIM 609053.
Fanconi anemia (FA). Also called: Fanconi's anemia. Identifiers: Orphanet 84, MedGen C0015625, MeSH D005199, MONDO:0019391.

Allele frequency attached by ClinVar (database versions not stated): gnomAD exomes 0.00001; ExAC 0.00002; gnomAD 0.00002 and 0.00003; TOPMed 0.00002.
gnomAD v4.1: 25 of 1,613,918 alleles (0.0015%); highest among the groups gnomAD compares: South Asian, 0.0066%; no homozygotes.

Submissions (2):

Fulgent Genetics
Classification: Uncertain significance for Fanconi anemia complementation group I. Last evaluated: 2022-03-31. Review status: criteria provided, single submitter. Criteria: ACMG Guidelines, 2015. Collection method: clinical testing. Allele origin: unknown.

Labcorp Genetics (formerly Invitae), Labcorp
Classification: Uncertain significance for Fanconi anemia. Last evaluated: 2021-09-01. Review status: criteria provided, single submitter. Criteria: Invitae Variant Classification Sherloc (09022015). Collection method: clinical testing. Allele origin: germline.
Comment: This sequence change replaces methionine with isoleucine at codon 776 of the FANCI protein (p.Met776Ile). The methionine residue is weakly conserved and there is a small physicochemical difference between methionine and isoleucine. This variant is present in population databases (rs781175970, ExAC 0.006%). This variant has not been reported in the literature in individuals affected with FANCI-related conditions. Algorithms developed to predict the effect of missense changes on protein structure and function (SIFT, PolyPhen-2, Align-GVGD) all suggest that this variant is likely to be tolerated. In summary, the available evidence is currently insufficient to determine the role of this variant in disease. Therefore, it has been classified as a Variant of Uncertain Significance.

NM_001113378.2(FANCI):c.2328G>A (p.Met776Ile)

Gene: FANCI (FA complementation group I; plus strand). Cytogenetic location: 15q26.1.
Variant type: single nucleotide variant.
Coding change: c.2328G>A on transcript NM_001113378.2 (MANE Select); coding-DNA position 2328, G replaced by A.
Protein change: p.Met776Ile; replaces methionine 776 with isoleucine.
Molecular consequence: missense variant.
Genome position (GRCh38, 1-based): chr15:89,293,869, G>A. VCF-style: chr15-89293869-G-A. GRCh37 (hg19) VCF-style: chr15-89837100-G-A.
Other names: c.2049G>A, p.Met683Ile (NM_001376910.1); c.2328G>A, p.Met776Ile (NM_001376911.1, NM_018193.3); short protein forms M683I, M776I.
Identifiers: ClinVar variation 936180 (VCV000936180.8), dbSNP rs781175970, ClinGen allele CA7723356.
Genomic context (GRCh38, chr15:89,293,869, plus strand): 5'-CGGTCTCTTTTTTGTTTTTTACAGTAAGAATAGGTTTGAGGACATTCTGAGCTTATTTAT[G>A]TGTTACAAAAAACTCTCTGACATTCTTAATGAAAAAGCGGGTAAAGCCAAAACTAAAATG-3'
Protein context (NP_001106849.1, residues 766-786): NRFEDILSLF[Met776Ile]CYKKLSDILN